The following is an entry in ClinVar:

ClinVar aggregate classification (germline): Benign/Likely benign. Review status: criteria provided, multiple submitters, no conflicts (2 of 4 stars). 3 submissions from 3 submitters: Benign (1); Likely benign (2). Last evaluated 2024-09-09.

Conditions:
Hereditary cancer-predisposing syndrome. Also called: Tumor predisposition; Neoplastic Syndromes, Hereditary; Hereditary Cancer Syndrome; Hereditary neoplastic syndrome. Identifiers: Orphanet 140162, MedGen C0027672, MeSH D009386, MONDO:0015356.
Familial cancer of breast. Also called: BREAST CANCER, FAMILIAL; Hereditary breast cancer; hereditary breast carcinoma. Identifiers: Orphanet 227535, MedGen C0346153, MONDO:0016419, OMIM 114480. Disease mechanism: loss of function.
Fanconi anemia complementation group J. Also called: BRIP1-Related Fanconi Anemia. Identifiers: Orphanet 84, MedGen C1836860, MONDO:0012187, OMIM 609054.

Submissions (3):

Myriad Genetics, Inc.
Classification: Benign for Familial cancer of breast. Last evaluated: 2024-09-09. Review status: criteria provided, single submitter. Criteria: Myriad Autosomal Dominant, Autosomal Recessive and X-Linked Classification Criteria (2023). Collection method: clinical testing. Allele origin: unknown.
Comment: This variant is considered benign. This variant is a silent/synonymous amino acid change and it is not expected to impact splicing.

Labcorp Genetics (formerly Invitae), Labcorp
Classification: Likely benign for Familial cancer of breast; Fanconi anemia complementation group J. Last evaluated: 2024-03-01. Review status: criteria provided, single submitter. Criteria: Invitae Variant Classification Sherloc (09022015). Collection method: clinical testing. Allele origin: germline.

Color Diagnostics, LLC DBA Color Health
Classification: Likely benign for Hereditary cancer-predisposing syndrome. Last evaluated: 2018-04-19. Review status: criteria provided, single submitter. Criteria: ACMG Guidelines, 2015. Collection method: clinical testing. Allele origin: germline.

NM_032043.3(BRIP1):c.2874A>G (p.Leu958=)

Gene: BRIP1 (BRCA1 interacting DNA helicase 1; minus strand). Cytogenetic location: 17q23.2.
Variant type: single nucleotide variant.
Coding change: c.2874A>G on transcript NM_032043.3 (MANE Select); coding-DNA position 2874, A replaced by G.
Protein change: p.Leu958=; no amino-acid change (leucine 958 retained).
Molecular consequence: synonymous variant.
Genome position (GRCh38, 1-based): chr17:61,685,867, T>C on the plus strand (A>G on the coding strand, the complement: BRIP1 is on the minus strand). VCF-style: chr17-61685867-T-C. GRCh37 (hg19) VCF-style: chr17-59763228-T-C.
Identifiers: ClinVar variation 630000 (VCV000630000.5), dbSNP rs886041147, ClinGen allele CA501335508.